The following is an entry in ClinVar:

ClinVar aggregate classification (germline): Benign/Likely benign. Review status: criteria provided, multiple submitters, no conflicts (2 of 4 stars). 6 submissions from 6 submitters: Benign (3); Likely benign (3). Last evaluated 2026-01-26.

Conditions:
Primary ciliary dyskinesia. Also called: Ciliary dyskinesia. Identifiers: Orphanet 244, MedGen C0008780, MONDO:0016575, HP:0012265.
Primary ciliary dyskinesia 9. Also called: CILIARY DYSKINESIA, PRIMARY, 9, WITH OR WITHOUT SITUS INVERSUS. Identifiers: Orphanet 244, MedGen C2676235, MONDO:0012906, OMIM 612444.

Allele frequency attached by ClinVar (database versions not stated): gnomAD exomes 0.00139; ExAC 0.00169; ESP Exome Variant Server 0.00507; 1000 Genomes Project 30x 0.00531; 1000 Genomes Project 0.00539; gnomAD 0.00543 and 0.00581; TOPMed 0.00598.
gnomAD v4.1: 1,577 of 1,613,878 alleles (0.098%); highest among the groups gnomAD compares: African/African-American, 1.8%; 12 homozygotes.

Submissions (6):

Labcorp Genetics (formerly Invitae), Labcorp
Classification: Benign for Primary ciliary dyskinesia. Last evaluated: 2026-01-26. Review status: criteria provided, single submitter. Criteria: Invitae Variant Classification Sherloc (09022015). Collection method: clinical testing. Allele origin: germline.

ARUP Laboratories, Molecular Genetics and Genomics, ARUP Laboratories
Classification: Benign for Primary ciliary dyskinesia 9. Last evaluated: 2025-02-06. Review status: criteria provided, single submitter. Criteria: ARUP Molecular Germline Variant Investigation Process 2024. Collection method: clinical testing. Allele origin: germline.

Illumina Laboratory Services, Illumina
Classification: Likely benign for Primary ciliary dyskinesia 9. Last evaluated: 2018-01-12. Review status: criteria provided, single submitter. Criteria: ICSL Variant Classification Criteria 13 December 2019. Collection method: clinical testing. Allele origin: germline.
Comment: This variant was observed in the ICSL laboratory as part of a predisposition screen in an ostensibly healthy population. It had not been previously curated by ICSL or reported in the Human Gene Mutation Database (HGMD: prior to June 1st, 2018), and was therefore a candidate for classification through an automated scoring system. Utilizing variant allele frequency, disease prevalence and penetrance estimates, and inheritance mode, an automated score was calculated to assess if this variant is too frequent to cause the disease. Based on the score and internal cut-off values, a variant classified as likely benign is not then subjected to further curation. The score for this variant resulted in a classification of likely benign for this disease.

Ambry Genetics
Classification: Likely benign for Primary ciliary dyskinesia. Last evaluated: 2014-09-09. Review status: criteria provided, single submitter. Criteria: Ambry Variant Classification Scheme 2023. Collection method: clinical testing. Allele origin: germline.

Breakthrough Genomics
Classification: Likely benign. Review status: criteria provided, single submitter. Criteria: ACMG Guidelines, 2015. Collection method: not provided. Allele origin: germline. Inheritance: Autosomal recessive inheritance. Affected: yes.

PreventionGenetics, part of Exact Sciences
Classification: Benign. Review status: criteria provided, single submitter. Criteria: ACMG Guidelines, 2015. Collection method: clinical testing. Allele origin: germline.

NM_023036.6(DNAI2):c.1431C>G (p.Thr477=)

Gene: DNAI2 (dynein axonemal intermediate chain 2; plus strand). Cytogenetic location: 17q25.1.
Variant type: single nucleotide variant.
Coding change: c.1431C>G on transcript NM_023036.6 (MANE Select); coding-DNA position 1431, C replaced by G.
Protein change: p.Thr477=; no amino-acid change (threonine 477 retained).
Molecular consequence: synonymous variant. On other transcripts: non-coding transcript variant (1).
Genome position (GRCh38, 1-based): chr17:74,310,100, C>G. VCF-style: chr17-74310100-C-G. GRCh37 (hg19) VCF-style: chr17-72306239-C-G.
Other names: c.1395C>G, p.Thr465= (NM_001172810.3); c.1431C>G, p.Thr477= (NM_001353167.2).
Identifiers: ClinVar variation 241449 (VCV000241449.22), dbSNP rs144035254, ClinGen allele CA8745776.